The following is an entry in ClinVar:

ClinVar aggregate classification (germline): Uncertain significance (1 of 4 stars; one submission).

Conditions:
PPARG-related disorder. Also called: PPARG-related condition; PPARG-related disorders.

Submission:

PreventionGenetics, part of Exact Sciences
Classification: Uncertain significance for PPARG-related condition. Last evaluated: 2023-08-01. Review status: criteria provided, single submitter. Criteria: ACMG Guidelines, 2015. Collection method: clinical testing. Allele origin: germline.
Comment: The PPARG c.791T>C variant is predicted to result in the amino acid substitution p.Ile264Thr. This variant has been reported in an individual with early-onset diabetes (Gong et al. 2021. PubMed ID: 34764936). This variant has not been reported in a large population database, indicating this variant is rare. At this time, the clinical significance of this variant is uncertain due to the absence of conclusive functional and genetic evidence.

NM_138711.6(PPARG):c.701T>C (p.Ile234Thr)

Genes: PPARG (peroxisome proliferator activated receptor gamma; plus strand), LOC114803475 (PPARG eExon liver enhancer; plus strand). Cytogenetic location: 3p25.2.
Variant type: single nucleotide variant.
Coding change: c.701T>C on transcript NM_138711.6 (MANE Select); coding-DNA position 701, T replaced by C.
Protein change: p.Ile234Thr; replaces isoleucine 234 with threonine.
Molecular consequence: missense variant. On other transcripts: intron variant (2).
Genome position (GRCh38, 1-based): chr3:12,406,053, T>C. VCF-style: chr3-12406053-T-C. GRCh37 (hg19) VCF-style: chr3-12447552-T-C.
Other names: c.701T>C, p.Ile234Thr (NM_001330615.4, NM_001354666.3, NM_001354667.3 and 6 more transcripts); c.791T>C, p.Ile264Thr (NM_001354668.2, NM_001374265.1, NM_015869.5); c.707T>C, p.Ile236Thr (NM_001354670.2); c.103-10651T>C (NM_001354669.2); c.653+54T>C (NM_001374266.1); short protein forms I234T, I236T, I264T.
Identifiers: ClinVar variation 2631326 (VCV002631326.1), dbSNP rs2125253392, ClinGen allele CA351618952.